The following is an entry in ClinVar:

ClinVar aggregate classification (germline): Benign. Review status: criteria provided, multiple submitters, no conflicts (2 of 4 stars). 5 submissions from 4 submitters: Benign (5). Last evaluated 2024-07-15.

Conditions:
Renal coloboma syndrome (PAPRS). Also called: PAPILLORENAL SYNDROME WITH MILD OCULAR ABNORMALITIES; CONGENITAL ANOMALIES OF THE KIDNEY AND URINARY TRACT WITH OR WITHOUT OCULAR ABNORMALITIES; CAKUT WITH OR WITHOUT OCULAR ABNORMALITIES; PAPILLORENAL SYNDROME; COLOBOMA OF OPTIC NERVE WITH RENAL DISEASE; OPTIC COLOBOMA, VESICOURETERAL REFLUX, AND RENAL ANOMALIES. Identifiers: Orphanet 1475, MedGen C1852759, MONDO:0007352, OMIM 120330.
Focal segmental glomerulosclerosis 7 (FSGS7). Identifiers: Orphanet 656, MedGen C4014925, MONDO:0014451, OMIM 616002.

Allele frequency attached by ClinVar (database versions not stated): ESP Exome Variant Server 0.33513; TOPMed 0.37309; gnomAD 0.37380 and 0.38814; ExAC 0.46449; gnomAD exomes 0.47291; 1000 Genomes Project 30x 0.48376; 1000 Genomes Project 0.49960.
gnomAD v4.1: 592,346 of 1,378,062 alleles (43%); highest among the groups gnomAD compares: East Asian, 97%; 137,408 homozygotes.

Submissions (5):

Unidad de Genómica Garrahan, Hospital de Pediatría Garrahan
Classification: Benign. Last evaluated: 2024-07-15. Review status: criteria provided, single submitter. Criteria: ACMG Guidelines, 2015. Collection method: clinical testing. Allele origin: germline. Affected: no. Observed: 68 variant alleles.
Comment: This variant is classified as Benign based on local population frequency. This variant was detected in 73% of patients studied in a panel designed for Epileptic and Developmental Encephalopathy and Progressive Myoclonus Epilepsy. Number of patients: 68. Only high quality variants are reported.

Genome-Nilou Lab
Classification: Benign for Focal segmental glomerulosclerosis 7. Last evaluated: 2021-09-05. Review status: criteria provided, single submitter. Criteria: ACMG Guidelines, 2015. Collection method: clinical testing. Allele origin: germline. Affected: no.

Genome-Nilou Lab
Classification: Benign for Renal coloboma syndrome. Last evaluated: 2021-09-05. Review status: criteria provided, single submitter. Criteria: ACMG Guidelines, 2015. Collection method: clinical testing. Allele origin: germline. Affected: no.

GeneDx
Classification: Benign. Last evaluated: 2015-03-03. Review status: criteria provided, single submitter. Criteria: GeneDx Variant Classification Process June 2021. Collection method: clinical testing. Allele origin: germline. Affected: yes.

Breakthrough Genomics
Classification: Benign. Review status: criteria provided, single submitter. Criteria: ACMG Guidelines, 2015. Collection method: not provided. Allele origin: germline. Inheritance: Autosomal dominant inheritance. Affected: yes.

NM_000278.5(PAX2):c.43+43C>A

Gene: PAX2 (paired box 2; plus strand). Cytogenetic location: 10q24.31.
Variant type: single nucleotide variant.
Coding change: c.43+43C>A on transcript NM_000278.5 (MANE Select); 43 bases into the intron after coding-DNA position 43, C replaced by A.
Molecular consequence: intron variant.
Genome position (GRCh38, 1-based): chr10:100,746,346, C>A. VCF-style: chr10-100746346-C-A. GRCh37 (hg19) VCF-style: chr10-102506103-C-A.
Other names: c.136+43C>A (NM_001304569.2, NM_001374303.1); c.43+43C>A (NM_003987.5, NM_003990.5, NM_003988.5 and 1 more transcripts).
Identifiers: ClinVar variation 1257133 (VCV001257133.7), dbSNP rs4405241, ClinGen allele CA5650621.